The following is an entry in ClinVar:

NM_003737.4(DCHS1):c.9416G>A (p.Gly3139Asp)

Gene: DCHS1 (dachsous cadherin-related 1; minus strand). Cytogenetic location: 11p15.4.
Variant type: single nucleotide variant.
Coding change: c.9416G>A on transcript NM_003737.4 (MANE Select); coding-DNA position 9416, G replaced by A.
Protein change: p.Gly3139Asp; replaces glycine 3139 with aspartic acid.
Molecular consequence: missense variant.
Genome position (GRCh38, 1-based): chr11:6,622,260, C>T on the plus strand (G>A on the coding strand, the complement: DCHS1 is on the minus strand). VCF-style: chr11-6622260-C-T. GRCh37 (hg19) VCF-style: chr11-6643491-C-T.
Other names: short protein forms G3139D.
Identifiers: ClinVar variation 4803239 (VCV004803239.1).

ClinVar aggregate classification (germline): Uncertain significance (1 of 4 stars; one submission).

Submission:

Labcorp Genetics (formerly Invitae), Labcorp
Classification: Uncertain significance. Last evaluated: 2025-08-20. Review status: criteria provided, single submitter. Criteria: Invitae Variant Classification Sherloc (09022015). Collection method: clinical testing. Allele origin: germline.
Comment: This sequence change replaces glycine, which is neutral and non-polar, with aspartic acid, which is acidic and polar, at codon 3139 of the DCHS1 protein (p.Gly3139Asp). This variant is not present in population databases (gnomAD no frequency). This variant has not been reported in the literature in individuals affected with DCHS1-related conditions. Invitae Evidence Modeling of protein sequence and biophysical properties (such as structural, functional, and spatial information, amino acid conservation, physicochemical variation, residue mobility, and thermodynamic stability) indicates that this missense variant is not expected to disrupt DCHS1 protein function with a negative predictive value of 95%. In summary, the available evidence is currently insufficient to determine the role of this variant in disease. Therefore, it has been classified as a Variant of Uncertain Significance.